The following is an entry in ClinVar:

ClinVar aggregate classification (germline): Uncertain significance. Review status: criteria provided, multiple submitters, no conflicts (2 of 4 stars). 2 submissions from 2 submitters: Uncertain significance (2). Last evaluated 2025-11-20.

Conditions:
46,XY sex reversal 9 (SRXY9). Also called: 46,XY SEX REVERSAL, ZFPM2-RELATED. Identifiers: Orphanet 251510, MedGen C4015129, MONDO:0014480, OMIM 616067.
Inborn genetic diseases. Identifiers: MedGen C0950123, MeSH D030342.

Allele frequency attached by ClinVar (database versions not stated): ExAC 0.00002; gnomAD 0.00004; TOPMed 0.00005; gnomAD exomes 0.00006.
gnomAD v4.1: 93 of 1,613,466 alleles (0.0058%); highest among the groups gnomAD compares: African/African-American, 0.0093%; no homozygotes.

Submissions (2):

Ambry Genetics
Classification: Uncertain significance for Inborn genetic diseases. Last evaluated: 2025-11-20. Review status: criteria provided, single submitter. Criteria: Ambry Variant Classification Scheme 2023. Collection method: clinical testing. Allele origin: germline.

Labcorp Genetics (formerly Invitae), Labcorp
Classification: Uncertain significance for 46,XY sex reversal 9. Last evaluated: 2022-10-02. Review status: criteria provided, single submitter. Criteria: Invitae Variant Classification Sherloc (09022015). Collection method: clinical testing. Allele origin: germline.
Comment: In summary, the available evidence is currently insufficient to determine the role of this variant in disease. Therefore, it has been classified as a Variant of Uncertain Significance. This sequence change replaces glycine, which is neutral and non-polar, with aspartic acid, which is acidic and polar, at codon 531 of the ZFPM2 protein (p.Gly531Asp). This variant is present in population databases (rs768867827, gnomAD 0.008%). This variant has not been reported in the literature in individuals affected with ZFPM2-related conditions. Algorithms developed to predict the effect of missense changes on protein structure and function are either unavailable or do not agree on the potential impact of this missense change (SIFT: "Tolerated"; PolyPhen-2: "Probably Damaging"; Align-GVGD: "Class C0").

NM_012082.4(ZFPM2):c.1592G>A (p.Gly531Asp)

Genes: ZFPM2 (zinc finger protein, FOG family member 2; plus strand), ZFPM2-AS1 (ZFPM2 antisense RNA 1; minus strand). Cytogenetic location: 8q23.1.
Variant type: single nucleotide variant.
Coding change: c.1592G>A on transcript NM_012082.4 (MANE Select); coding-DNA position 1592, G replaced by A.
Protein change: p.Gly531Asp; replaces glycine 531 with aspartic acid.
Molecular consequence: missense variant.
Genome position (GRCh38, 1-based): chr8:105,801,674, G>A. VCF-style: chr8-105801674-G-A. GRCh37 (hg19) VCF-style: chr8-106813902-G-A.
Other names: c.1592G>A (NM_012082.3); c.1433G>A, p.Gly478Asp (NM_001362836.2); c.1196G>A, p.Gly399Asp (NM_001362837.2); short protein forms G399D, G478D, G531D.
Identifiers: ClinVar variation 2142043 (VCV002142043.6), dbSNP rs768867827, ClinGen allele CA4839775.